The following is an entry in ClinVar:

NM_001323289.2(CDKL5):c.1014C>G (p.His338Gln)

Gene: CDKL5 (cyclin dependent kinase like 5; plus strand). Cytogenetic location: Xp22.13.
Variant type: single nucleotide variant.
Coding change: c.1014C>G on transcript NM_001323289.2 (MANE Select); coding-DNA position 1014, C replaced by G.
Protein change: p.His338Gln; replaces histidine 338 with glutamine.
Molecular consequence: missense variant.
Genome position (GRCh38, 1-based): chrX:18,603,938, C>G. VCF-style: chrX-18603938-C-G. GRCh37 (hg19) VCF-style: chrX-18622058-C-G.
Other names: c.1014C>G, p.His338Gln (NM_001037343.2, NM_003159.3); short protein forms H338Q.
Identifiers: ClinVar variation 3359587 (VCV003359587.2).

ClinVar aggregate classification (germline): Uncertain significance (1 of 4 stars; one submission).

Submission:

GeneDx
Classification: Uncertain significance. Last evaluated: 2026-09-08. Review status: criteria provided, single submitter. Criteria: GeneDx Variant Classification Process June 2021. Collection method: clinical testing. Allele origin: germline.
Comment: Not observed at significant frequency in large population cohorts (gnomAD); In silico analysis supports that this missense variant does not alter protein structure/function; Has not been previously published as pathogenic or benign to our knowledge